The following is an entry in ClinVar:

NM_016151.4(TAOK2):c.1346C>G (p.Ser449Cys)

Gene: TAOK2 (TAO kinase 2; plus strand). Cytogenetic location: 16p11.2.
Variant type: single nucleotide variant.
Coding change: c.1346C>G on transcript NM_016151.4 (MANE Select); coding-DNA position 1346, C replaced by G.
Protein change: p.Ser449Cys; replaces serine 449 with cysteine.
Molecular consequence: missense variant.
Genome position (GRCh38, 1-based): chr16:29,983,588, C>G. VCF-style: chr16-29983588-C-G. GRCh37 (hg19) VCF-style: chr16-29994909-C-G.
Other names: c.1346C>G, p.Ser449Cys (NM_001252043.2, NM_004783.4); short protein forms S449C.
Identifiers: ClinVar variation 1482696 (VCV001482696.8), dbSNP rs1441119514, ClinGen allele CA395481861.

ClinVar aggregate classification (germline): Uncertain significance (1 of 4 stars; one submission).

Allele frequency attached by ClinVar (database versions not stated): TOPMed 0.00001.

Submission:

Labcorp Genetics (formerly Invitae), Labcorp
Classification: Uncertain significance. Last evaluated: 2025-04-20. Review status: criteria provided, single submitter. Criteria: Invitae Variant Classification Sherloc (09022015). Collection method: clinical testing. Allele origin: germline.
Comment: This sequence change replaces serine, which is neutral and polar, with cysteine, which is neutral and slightly polar, at codon 449 of the TAOK2 protein (p.Ser449Cys). This variant is not present in population databases (gnomAD no frequency). This variant has not been reported in the literature in individuals affected with TAOK2-related conditions. ClinVar contains an entry for this variant (Variation ID: 1482696). An algorithm developed to predict the effect of missense changes on protein structure and function (PolyPhen-2) suggests that this variant is likely to be tolerated. In summary, the available evidence is currently insufficient to determine the role of this variant in disease. Therefore, it has been classified as a Variant of Uncertain Significance.